The following is an entry in ClinVar:

ClinVar aggregate classification (germline): Uncertain significance (1 of 4 stars; one submission).

Allele frequency attached by ClinVar (database versions not stated): gnomAD exomes below 0.00001.
gnomAD v4.1: 2 of 1,612,622 alleles (0.00012%); highest among the groups gnomAD compares: East Asian, 0.0022%; no homozygotes.

Submission:

Labcorp Genetics (formerly Invitae), Labcorp
Classification: Uncertain significance. Last evaluated: 2021-08-27. Review status: criteria provided, single submitter. Criteria: Invitae Variant Classification Sherloc (09022015). Collection method: clinical testing. Allele origin: germline.
Comment: This sequence change replaces proline with leucine at codon 84 of the CRB2 protein (p.Pro84Leu). The proline residue is moderately conserved and there is a moderate physicochemical difference between proline and leucine. This variant is not present in population databases (ExAC no frequency). This variant has not been reported in the literature in individuals affected with CRB2-related conditions. Experimental studies and prediction algorithms are not available or were not evaluated, and the functional significance of this variant is currently unknown. In summary, the available evidence is currently insufficient to determine the role of this variant in disease. Therefore, it has been classified as a Variant of Uncertain Significance.

NM_173689.7(CRB2):c.251C>T (p.Pro84Leu)

Gene: CRB2 (crumbs cell polarity complex component 2; plus strand). Cytogenetic location: 9q33.3.
Variant type: single nucleotide variant.
Coding change: c.251C>T on transcript NM_173689.7 (MANE Select); coding-DNA position 251, C replaced by T.
Protein change: p.Pro84Leu; replaces proline 84 with leucine.
Molecular consequence: missense variant.
Genome position (GRCh38, 1-based): chr9:123,363,021, C>T. VCF-style: chr9-123363021-C-T. GRCh37 (hg19) VCF-style: chr9-126125300-C-T.
Other names: short protein forms P84L.
Identifiers: ClinVar variation 1025434 (VCV001025434.6), dbSNP rs1432211908, ClinGen allele CA374853788.